The following is an entry in ClinVar:

ClinVar aggregate classification (germline): Uncertain significance (1 of 4 stars; one submission).

Conditions:
Inborn genetic diseases. Identifiers: MedGen C0950123, MeSH D030342.

Submission:

Ambry Genetics
Classification: Uncertain significance for Inborn genetic diseases. Last evaluated: 2026-02-17. Review status: criteria provided, single submitter. Criteria: Ambry Variant Classification Scheme 2023. Collection method: clinical testing. Allele origin: germline.
Comment: The c.745C>G (p.Q249E) alteration is located in exon 7 (coding exon 7) of the EIF4A2 gene. This alteration results from a C to G substitution at nucleotide position 745, causing the glutamine (Q) at amino acid position 249 to be replaced by a glutamic acid (E). This variant was not reported in population-based cohorts in the Genome Aggregation Database (gnomAD). This missense variant is located in a region that has a low rate of benign missense variation (Lek, 2016; Firth, 2009). The in silico prediction for this alteration is inconclusive. Based on insufficient or conflicting evidence, the clinical significance of this alteration remains unclear.

NM_001967.4(EIF4A2):c.745C>G (p.Gln249Glu)

Gene: EIF4A2 (eukaryotic translation initiation factor 4A2; plus strand). Cytogenetic location: 3q27.3.
Variant type: single nucleotide variant.
Coding change: c.745C>G on transcript NM_001967.4 (MANE Select); coding-DNA position 745, C replaced by G.
Protein change: p.Gln249Glu; replaces glutamine 249 with glutamic acid.
Molecular consequence: missense variant.
Genome position (GRCh38, 1-based): chr3:186,786,619, C>G. VCF-style: chr3-186786619-C-G. GRCh37 (hg19) VCF-style: chr3-186504408-C-G.
Other names: short protein forms Q249E.
Identifiers: ClinVar variation 4839522 (VCV004839522.1).